The following is an entry in ClinVar:

ClinVar aggregate classification (germline): Likely benign (1 of 4 stars; one submission).

Allele frequency attached by ClinVar (database versions not stated): ExAC 0.00080; ESP Exome Variant Server 0.00100.

Submission:

CeGaT Center for Human Genetics Tuebingen
Classification: Likely benign. Last evaluated: 2023-08-01. Review status: criteria provided, single submitter. Criteria: CeGaT Center For Human Genetics Tuebingen Variant Classification Criteria Version 2. Collection method: clinical testing. Allele origin: germline. Affected: yes. Observed: 1 variant allele.
Comment: GTF2I: PP2, BS1

NM_032999.4(GTF2I):c.1657C>G (p.Gln553Glu)

Genes: GTF2I (general transcription factor IIi; plus strand), LOC106029312 (Williams-Beuren syndrome medial block B recombination region; plus strand). Cytogenetic location: 7q11.23.
Variant type: single nucleotide variant.
Coding change: c.1657C>G on transcript NM_032999.4 (MANE Select); coding-DNA position 1657, C replaced by G.
Protein change: p.Gln553Glu; replaces glutamine 553 with glutamic acid.
Molecular consequence: missense variant.
Genome position (GRCh38, 1-based): chr7:74,738,082, C>G. VCF-style: chr7-74738082-C-G. GRCh37 (hg19) VCF-style: chr7-74152424-C-G.
Other names: c.1591C>G, p.Gln531Glu (NM_001163636.3); c.1534C>G, p.Gln512Glu (NM_001518.5); c.1597C>G, p.Gln533Glu (NM_033000.4); c.1594C>G, p.Gln532Glu (NM_033001.4); short protein forms Q512E, Q531E, Q532E, Q533E, Q553E.
Identifiers: ClinVar variation 2657597 (VCV002657597.24), dbSNP rs141809495, ClinGen allele CA4297831.